The following is an entry in ClinVar:

ClinVar aggregate classification (germline): Uncertain significance (1 of 4 stars; one submission).

Submission:

GeneDx
Classification: Uncertain significance. Last evaluated: 2024-12-19. Review status: criteria provided, single submitter. Criteria: GeneDx Variant Classification Process June 2021. Collection method: clinical testing. Allele origin: germline. Affected: yes.
Comment: Not observed at significant frequency in large population cohorts (gnomAD); Has not been previously published as pathogenic or benign to our knowledge; In silico analysis is inconclusive as to whether the variant alters gene splicing. In the absence of RNA/functional studies, the actual effect of this sequence change is unknown.

NM_014712.3(SETD1A):c.4581+5G>A

Gene: SETD1A (SET domain containing 1A, histone lysine methyltransferase; plus strand). Cytogenetic location: 16p11.2.
Variant type: single nucleotide variant.
Coding change: c.4581+5G>A on transcript NM_014712.3 (MANE Select); 5 bases into the intron after coding-DNA position 4581, G replaced by A.
Molecular consequence: intron variant.
Genome position (GRCh38, 1-based): chr16:30,980,662, G>A. VCF-style: chr16-30980662-G-A. GRCh37 (hg19) VCF-style: chr16-30991983-G-A.
Identifiers: ClinVar variation 3907855 (VCV003907855.1).
Genomic context (GRCh38, chr16:30,980,662, plus strand): 5'-AGTACCTGGACGTGTGCCCAGTCTCGGCCCGGCAGCTGGAGGGCGTGGACACTCAGGTGG[G>A]CCTAACCCCGCCGCCGCGTCCTCCTGCCACTCACTTCCCTGCCCTGCTCACCTCCTCCCT-3'